The following is an entry in ClinVar:

NM_016203.4(PRKAG2):c.107A>G (p.His36Arg)

Gene: PRKAG2 (protein kinase AMP-activated non-catalytic subunit gamma 2; minus strand). Cytogenetic location: 7q36.1.
Variant type: single nucleotide variant.
Coding change: c.107A>G on transcript NM_016203.4 (MANE Select); coding-DNA position 107, A replaced by G.
Protein change: p.His36Arg; replaces histidine 36 with arginine.
Molecular consequence: missense variant.
Genome position (GRCh38, 1-based): chr7:151,876,514, T>C on the plus strand (A>G on the coding strand, the complement: PRKAG2 is on the minus strand). VCF-style: chr7-151876514-T-C. GRCh37 (hg19) VCF-style: chr7-151573599-T-C.
Other names: short protein forms H36R.
Identifiers: ClinVar variation 847177 (VCV000847177.9), dbSNP rs2080409943, ClinGen allele CA370071852.
Genomic context (GRCh38, chr7:151,876,514, plus strand): 5'-GGACGGGAGCGACAGGAGGGCTGGGGAGCAGGGGACCGAGTGCTGGGACTCACCGGAATG[T>C]GCACGCGCAGCGAACGCCTCTTCTGGCTGGCATTTTTCTTGCCGCCGCTCCCGCCGGGGC-3'
Protein context (NP_057287.2, residues 26-46): ASQKRRSLRV[His36Arg]IPDLSSFAMP

ClinVar aggregate classification (germline): Uncertain significance (1 of 4 stars; one submission).

Conditions:
Lethal congenital glycogen storage disease of heart. Also called: PHOSPHORYLASE KINASE DEFICIENCY OF HEART; GLYCOGEN STORAGE DISEASE OF HEART. Identifiers: Orphanet 439854, MedGen C1849813, MONDO:0009867, OMIM 261740.

Submission:

Labcorp Genetics (formerly Invitae), Labcorp
Classification: Uncertain significance for Lethal congenital glycogen storage disease of heart. Last evaluated: 2019-12-04. Review status: criteria provided, single submitter. Criteria: Invitae Variant Classification Sherloc (09022015). Collection method: clinical testing. Allele origin: germline.
Comment: This variant is not present in population databases (ExAC no frequency). This sequence change replaces histidine with arginine at codon 36 of the PRKAG2 protein (p.His36Arg). The histidine residue is weakly conserved and there is a small physicochemical difference between histidine and arginine. This variant has not been reported in the literature in individuals with PRKAG2-related conditions. In summary, the available evidence is currently insufficient to determine the role of this variant in disease. Therefore, it has been classified as a Variant of Uncertain Significance. Algorithms developed to predict the effect of missense changes on protein structure and function (SIFT, PolyPhen-2, Align-GVGD) all suggest that this variant is likely to be tolerated, but these predictions have not been confirmed by published functional studies and their clinical significance is uncertain.